The following is an entry in ClinVar:

ClinVar aggregate classification (germline): Pathogenic/Likely pathogenic. Review status: criteria provided, multiple submitters, no conflicts (2 of 4 stars). 6 submissions from 6 submitters: Pathogenic (3); Likely pathogenic (2). 1 of the submissions does not count toward it. Last evaluated 2025-05-18.

Conditions:
Hereditary cancer-predisposing syndrome. Also called: Hereditary neoplastic syndrome; Neoplastic Syndromes, Hereditary; Tumor predisposition; Hereditary Cancer Syndrome. Identifiers: Orphanet 140162, MedGen C0027672, MeSH D009386, MONDO:0015356.
Multiple endocrine neoplasia, type 1 (MEN1). Also called: MEA I; Endocrine adenomatosis multiple; MEN 1; MEN I; WERMER SYNDROME. Identifiers: Orphanet 652, MedGen C0025267, MeSH D018761, MONDO:0007540, OMIM 131100.

Submissions (6):

Labcorp Genetics (formerly Invitae), Labcorp
Classification: Pathogenic for Multiple endocrine neoplasia, type 1. Last evaluated: 2025-05-18. Review status: criteria provided, single submitter. Criteria: Invitae Variant Classification Sherloc (09022015). Collection method: clinical testing. Allele origin: germline.
Comment: This sequence change replaces tryptophan, which is neutral and slightly polar, with arginine, which is basic and polar, at codon 436 of the MEN1 protein (p.Trp436Arg). This variant is not present in population databases (gnomAD no frequency). This missense change has been observed in individual(s) with multiple endocrine neoplasia type 1 (PMID: 9103196, 15714081; internal data). ClinVar contains an entry for this variant (Variation ID: 16686). Invitae Evidence Modeling of protein sequence and biophysical properties (such as structural, functional, and spatial information, amino acid conservation, physicochemical variation, residue mobility, and thermodynamic stability) indicates that this missense variant is expected to disrupt MEN1 protein function with a positive predictive value of 95%. Experimental studies have shown that this missense change affects MEN1 function (PMID: 21127195, 21819486). For these reasons, this variant has been classified as Pathogenic.

Ambry Genetics
Classification: Pathogenic for Hereditary cancer-predisposing syndrome. Last evaluated: 2024-06-03. Review status: criteria provided, single submitter. Criteria: Ambry Variant Classification Scheme 2023. Collection method: clinical testing. Allele origin: germline.
Comment: The p.W436R pathogenic mutation (also known as c.1306T>A), located in coding exon 8 of the MEN1 gene, results from a T to A substitution at nucleotide position 1306. The tryptophan at codon 436 is replaced by arginine, an amino acid with dissimilar properties. This variant has been observed in multiple individuals with a personal and/or family history that is consistent with MEN1-associated disease (Ambry internal data). In one study, the p.W436R variant failed to interact with ATK1 and was unable to suppress AKT1 activity (Wang Y et al. Cancer Res, 2011 Jan;71:371-82). Based on internal structural analysis, this variant is anticipated to result in a decrease in structural stability (Ambry internal data). Another variant resulting in the same amino acid substitution, p.W436R (c.1306T>C), has been described in patients with MEN1-associated disease (Chandrasekharappa SC et al. Science.1997. 276(5311):404-7) and was shown to induce a high rate of protein degradation and roughly 20% stability when compared to wild types (Shimazu et al. Cancer Science. 2011. Vol 102, No 11, 2097-2102). This variant is considered to be rare based on population cohorts in the Genome Aggregation Database (gnomAD). This amino acid position is highly conserved in available vertebrate species. In addition, this alteration is predicted to be deleterious by in silico analysis. Based on the supporting evidence, this variant is interpreted as a disease-causing mutation.

Illumina Laboratory Services, Illumina
Classification: Likely pathogenic for Multiple endocrine neoplasia, type 1. Last evaluated: 2024-05-28. Review status: criteria provided, single submitter. Criteria: ICSLVariantClassificationCriteria RUGD 01 April 2020. Collection method: clinical testing. Allele origin: unknown.
Comment: The MEN1 c.1306T>A p.(Trp436Arg) missense variant has been identified in individuals with a phenotype consistent with multiple endocrine neoplasia type 1 (PMIDs: 9540988; 9103196; 15714081; 9215689). Functional studies conducted in human cell lines demonstrated that this variant impacts protein stability as well as interaction with other protein partners (PMIDs: 21127195; 21819486). This variant is not observed in version 2.1.1 or version 4.1.0 of the Genome Aggregation Database. A different nucleotide change at the same position, resulting in the same amino acid change p.(Trp436Arg), as well as a different amino acid change at the same codon p.(Trp436Cys), have also been identified in individuals with a phenotype consistent with multiple endocrine neoplasia type 1 (PMID: 15714081; 22090276). Multiple lines of computational evidence suggest that the p.(Trp436Arg) variant may impact the gene or gene product. This variant has been classified as likely pathogenic or pathogenic by at least three submitters in ClinVar. Based on the available evidence, the c.1306T>A p.(Trp436Arg) variant is classified as likely pathogenic for multiple endocrine neoplasia, type 1.

Myriad Genetics, Inc.
Classification: Likely pathogenic for Multiple endocrine neoplasia, type 1. Last evaluated: 2023-07-26. Review status: criteria provided, single submitter. Criteria: Myriad Autosomal Dominant, Autosomal Recessive and X-Linked Classification Criteria (2023). Collection method: clinical testing. Allele origin: unknown.
Comment: This variant is considered likely pathogenic. This variant has been reported in multiple individuals with clinical features of gene-specific disease [PMID: 9540988, 9103196, 15714081, 9498491]. Functional studies indicate this variant impacts protein function [PMID: 21127195, 21819486]. This variant is expected to disrupt protein structure [Myriad internal data].

GeneDx
Classification: Pathogenic. Last evaluated: 2017-12-15. Review status: criteria provided, single submitter. Criteria: GeneDx Variant Classification (06012015). Collection method: clinical testing. Allele origin: germline. Affected: yes.
Comment: The W436R variant has previously been reported in at least one individual undergoing genetic testing of the MEN1 gene at an outside clinical laboratory (Klein et al., 2005). Functional studies have shown that the W436R mutant protein is not stable and is rapidly degraded by the ubiquitin-proteasome pathway (Canaff et al., 2012). This variant is not observed in large population cohorts (Lek et al., 2016). The XW436R variant is a non-conservative amino acid substitution, which is likely to impact secondary protein structure as these residues differ in polarity, charge, size and/or other properties. In-silico analyses, including protein predictors and evolutionary conservation, support a deleterious effect. An alternate nucleotide change resulting in the same amino acid change (c.1306T>C) has been reported in association with multiple endocrine neoplasia type 1, supporting the functional importance of this region of the protein (Agarwal et al., 1997; Chandrasekharappa et al., 1997). Based on the currently available information, we consider W436R to be pathogenic.

OMIM
Classification: Pathogenic for MULTIPLE ENDOCRINE NEOPLASIA, TYPE I. Last evaluated: 1997-04-18. Review status: no assertion criteria provided. Collection method: literature only. Allele origin: germline. Not counted in ClinVar's aggregate classification.

Literature cited by the submitters: PubMed 9103196 (cited by 4 submitters); PubMed 15714081 (cited by 4 submitters); PubMed 21127195 (cited by 4 submitters); PubMed 21819486 (cited by 3 submitters); PubMed 22090276 (cited by Ambry Genetics and Illumina Laboratory Services, Illumina); PubMed 9540988 (cited by Illumina Laboratory Services, Illumina and Myriad Genetics, Inc.); PubMed 9215689 (cited by Illumina Laboratory Services, Illumina); PubMed 9498491 (cited by Myriad Genetics, Inc.).

NM_001370259.2(MEN1):c.1306T>A (p.Trp436Arg)

Gene: MEN1 (menin 1; minus strand). Cytogenetic location: 11q13.1.
Variant type: single nucleotide variant.
Coding change: c.1306T>A on transcript NM_001370259.2 (MANE Select); coding-DNA position 1306, T replaced by A.
Protein change: p.Trp436Arg; replaces tryptophan 436 with arginine.
Molecular consequence: missense variant.
Genome position (GRCh38, 1-based): chr11:64,805,078, A>T on the plus strand (T>A on the coding strand, the complement: MEN1 is on the minus strand). VCF-style: chr11-64805078-A-T. GRCh37 (hg19) VCF-style: chr11-64572550-A-T.
Other names: c.1321T>A, p.Trp441Arg (NM_000244.4, NM_130800.3, NM_130801.3 and 3 more transcripts); c.1432T>A, p.Trp478Arg (NM_001370251.2); c.1306T>A, p.Trp436Arg (NM_001370260.2, NM_001370261.2, NM_130799.3); c.1201T>A, p.Trp401Arg (NM_001370262.2, NM_001370263.2); short protein forms W436R, W441R, W478R, W401R.
Identifiers: ClinVar variation 16686 (VCV000016686.14), dbSNP rs104894259, ClinGen allele CA009116.